The following is an entry in ClinVar:

ClinVar aggregate classification (germline): Conflicting classifications of pathogenicity. Review status: criteria provided, conflicting classifications (1 of 4 stars). 4 submissions from 4 submitters: Pathogenic (3); Uncertain significance (1). Last evaluated 2024-09-10.

Conditions:
Inborn genetic diseases. Identifiers: MedGen C0950123, MeSH D030342.
Intellectual developmental disorder, autosomal dominant 44, with microcephaly. Also called: Micrognathia-recurrent infections-behavioral abnormalities-mild intellectual disability syndrome; TRIO-Related Intellectual Disability. Identifiers: Orphanet 476126, MedGen C4310740, MONDO:0014892, OMIM 617061.

Submissions (4):

Ambry Genetics
Classification: Pathogenic for Inborn genetic diseases. Last evaluated: 2024-09-10. Review status: criteria provided, single submitter. Criteria: Ambry Variant Classification Scheme 2023. Collection method: clinical testing. Allele origin: germline.
Comment: The c.6092delT (p.L2031*) alteration, located in exon 41 (coding exon 41) of the TRIO gene, consists of a deletion of one nucleotide at position 6092, causing a translational frameshift with a predicted alternate stop codon at amino acid position 2031. This alteration is expected to result in loss of function by premature protein truncation or nonsense-mediated mRNA decay. for TRIO-related neurodevelopmental disorder with microcephaly; however, it is unlikely to be causative of TRIO-related neurodevelopmental disorder with macrocephaly. The TRIO c.6092delT alteration was flagged as a low confidence call in the Genome Aggregation Database (gnomAD). Based on the available evidence, this alteration is classified as pathogenic.

GeneDx
Classification: Pathogenic. Last evaluated: 2024-09-06. Review status: criteria provided, single submitter. Criteria: GeneDx Variant Classification Process June 2021. Collection method: clinical testing. Allele origin: germline. Affected: yes.
Comment: Nonsense variant predicted to result in protein truncation or nonsense mediated decay in a gene for which loss of function is a known mechanism of disease; Has not been previously published as pathogenic or benign to our knowledge; This variant is associated with the following publications: (PMID: 26721934)

HudsonAlpha Institute for Biotechnology
Classification: Uncertain significance for Intellectual developmental disorder, autosomal dominant 44, with microcephaly. Last evaluated: 2021-11-05. Review status: criteria provided, single submitter. Criteria: ACMG Guidelines, 2015. Collection method: research. Allele origin: unknown. Observed: 1 variant allele. Study: CSER-SouthSeq.
Comment: ACMG codes: PVS1

Labcorp Genetics (formerly Invitae), Labcorp
Classification: Pathogenic. Last evaluated: 2017-11-08. Review status: criteria provided, single submitter. Criteria: Invitae Variant Classification Sherloc (09022015). Collection method: clinical testing. Allele origin: germline.
Comment: For these reasons, this variant has been classified as Pathogenic. Loss-of-function variants in TRIO are known to be pathogenic (PMID: 26721934). This variant has not been reported in the literature in individuals with TRIO-related disease. The frequency data for this variant in the population databases is considered unreliable, as metrics indicate poor data quality at this position in the ExAC database. This sequence change creates a premature translational stop signal (p.Leu2031*) in the TRIO gene. It is expected to result in an absent or disrupted protein product.

Literature cited by the submitters: PubMed 26721934 (cited by Labcorp Genetics (formerly Invitae), Labcorp).

NM_007118.4(TRIO):c.6092del (p.Phe2030_Leu2031insTer)

Gene: TRIO (trio Rho guanine nucleotide exchange factor; plus strand). Cytogenetic location: 5p15.2.
Variant type: Deletion.
Coding change: c.6092del on transcript NM_007118.4 (MANE Select); coding-DNA position 6092, one base deleted (T; older notation c.6092delT).
Protein change: p.Phe2030_Leu2031insTer.
Molecular consequence: nonsense. On other transcripts: non-coding transcript variant (1).
Genome position (GRCh38, 1-based): chr5:14,476,902, T deleted; the last of 8 consecutive T bases (chr5:14,476,895-14,476,902); deleting any one gives the same sequence. VCF-style (leftmost placement, unchanged base first): chr5-14476894-CT-C. GRCh37 (hg19) VCF-style: chr5-14477003-CT-C.
Other names: c.6092del (NM_007118.2); c.6092delT (NM_007118.4, NM_007118.2).
Identifiers: ClinVar variation 1071400 (VCV001071400.10), dbSNP rs752676391, ClinGen allele CA3206973.